The following is an entry in ClinVar:

ClinVar aggregate classification (germline): Uncertain significance (1 of 4 stars; one submission).

Conditions:
Hereditary cancer-predisposing syndrome. Also called: Neoplastic Syndromes, Hereditary; Tumor predisposition; Hereditary Cancer Syndrome; Hereditary neoplastic syndrome. Identifiers: Orphanet 140162, MedGen C0027672, MeSH D009386, MONDO:0015356.

gnomAD v4.1: 1 of 1,614,050 alleles (0.000062%); highest among the groups gnomAD compares: South Asian, 0.0011%; no homozygotes.

Submission:

Ambry Genetics
Classification: Uncertain significance for Hereditary cancer-predisposing syndrome. Last evaluated: 2020-03-06. Review status: criteria provided, single submitter. Criteria: Ambry Variant Classification Scheme 2023. Collection method: clinical testing. Allele origin: germline.
Comment: The p.T669K variant (also known as c.2006C>A), located in coding exon 18 of the MRE11A gene, results from a C to A substitution at nucleotide position 2006. The threonine at codon 669 is replaced by lysine, an amino acid with similar properties. This amino acid position is not well conserved in available vertebrate species. In addition, this alteration is predicted to be tolerated by in silico analysis. Since supporting evidence is limited at this time, the clinical significance of this alteration remains unclear.

NM_005591.4(MRE11):c.2006C>A (p.Thr669Lys)

Gene: MRE11 (MRE11 double strand break repair nuclease; minus strand). Cytogenetic location: 11q21.
Variant type: single nucleotide variant.
Coding change: c.2006C>A on transcript NM_005591.4 (MANE Select); coding-DNA position 2006, C replaced by A.
Protein change: p.Thr669Lys; replaces threonine 669 with lysine.
Molecular consequence: missense variant.
Genome position (GRCh38, 1-based): chr11:94,429,975, G>T on the plus strand (C>A on the coding strand, the complement: MRE11 is on the minus strand). VCF-style: chr11-94429975-G-T. GRCh37 (hg19) VCF-style: chr11-94163141-G-T.
Other names: c.2003C>A, p.Thr668Lys (NM_001330347.2); c.1922C>A, p.Thr641Lys (NM_005590.4); short protein forms T641K, T668K, T669K.
Identifiers: ClinVar variation 1800274 (VCV001800274.2), dbSNP rs2496166567, ClinGen allele CA382373564.